The following is an entry in ClinVar:

ClinVar aggregate classification (germline): Conflicting classifications of pathogenicity. Review status: criteria provided, conflicting classifications (1 of 4 stars). 3 submissions from 3 submitters: Uncertain significance (2); Benign (1). Last evaluated 2026-01-26.

Conditions:
Hereditary cancer-predisposing syndrome. Also called: Neoplastic Syndromes, Hereditary; Hereditary neoplastic syndrome; Hereditary Cancer Syndrome; Tumor predisposition. Identifiers: Orphanet 140162, MedGen C0027672, MeSH D009386, MONDO:0015356.
Gastrointestinal stromal tumor. Also called: Gastrointestinal stromal tumor, somatic; Gastrointestinal stroma tumor. Identifiers: Orphanet 44890, MedGen C0238198, MeSH D046152, MONDO:0011719, OMIM 606764, HP:0100723.

Allele frequency attached by ClinVar (database versions not stated): gnomAD exomes 0.00004; ExAC 0.00006; gnomAD 0.00014; ESP Exome Variant Server 0.00015; TOPMed 0.00017.
gnomAD v4.1: 44 of 1,612,576 alleles (0.0027%); highest among the groups gnomAD compares: African/African-American, 0.049%; no homozygotes.

Submissions (3):

Labcorp Genetics (formerly Invitae), Labcorp
Classification: Uncertain significance for Gastrointestinal stromal tumor. Last evaluated: 2026-01-26. Review status: criteria provided, single submitter. Criteria: Invitae Variant Classification Sherloc (09022015). Collection method: clinical testing. Allele origin: germline.
Comment: This sequence change falls in intron 4 of the PDGFRA gene. It does not directly change the encoded amino acid sequence of the PDGFRA protein. It affects a nucleotide within the consensus splice site. This variant is present in population databases (rs368210930, gnomAD 0.06%), and has an allele count higher than expected for a pathogenic variant. This variant has not been reported in the literature in individuals affected with PDGFRA-related conditions. ClinVar contains an entry for this variant (Variation ID: 240355). Variants that disrupt the consensus splice site are a relatively common cause of aberrant splicing (PMID: 17576681, 9536098). Algorithms developed to predict the effect of sequence changes on RNA splicing suggest that this variant is not likely to affect RNA splicing. In summary, the available evidence is currently insufficient to determine the role of this variant in disease. Therefore, it has been classified as a Variant of Uncertain Significance.

Dasa
Classification: Uncertain significance. Last evaluated: 2025-04-16. Review status: criteria provided, single submitter. Criteria: DASA Assertion Criteria. Collection method: clinical testing. Allele origin: germline.
Comment: NM_006206.6(PDGFRA):c.628+4C>T is a splice-region variant. This variant is rare in population databases. Computational prediction algorithms are consistent with a benign effect. The currently available literature and clinical evidence are not sufficient to establish a definitive association between this variant and the reported condition. Therefore, this variant is classified as a variant of uncertain significance.

Ambry Genetics
Classification: Benign for Hereditary cancer-predisposing syndrome. Last evaluated: 2024-03-20. Review status: criteria provided, single submitter. Criteria: Ambry Variant Classification Scheme 2023. Collection method: clinical testing. Allele origin: germline.

Literature cited by the submitters: PubMed 17576681 (cited by Labcorp Genetics (formerly Invitae), Labcorp); PubMed 9536098 (cited by Labcorp Genetics (formerly Invitae), Labcorp).

NM_006206.6(PDGFRA):c.628+4C>T

Gene: PDGFRA (platelet derived growth factor receptor alpha; plus strand). Cytogenetic location: 4q12.
Variant type: single nucleotide variant.
Coding change: c.628+4C>T on transcript NM_006206.6 (MANE Select); 4 bases into the intron after coding-DNA position 628, C replaced by T.
Molecular consequence: intron variant.
Genome position (GRCh38, 1-based): chr4:54,263,931, C>T. VCF-style: chr4-54263931-C-T. GRCh37 (hg19) VCF-style: chr4-55130098-C-T.
Other names: c.703+4C>T (NM_001347828.2); c.628+4C>T (NM_001347827.2, NM_001347829.2); c.667+4C>T (NM_001347830.2).
Identifiers: ClinVar variation 240355 (VCV000240355.16), dbSNP rs368210930, ClinGen allele CA2922321.